The following is an entry in ClinVar:

NM_025137.4(SPG11):c.3620G>A (p.Arg1207Gln)

Gene: SPG11 (SPG11 vesicle trafficking associated, spatacsin; minus strand). Cytogenetic location: 15q21.1.
Variant type: single nucleotide variant.
Coding change: c.3620G>A on transcript NM_025137.4 (MANE Select); coding-DNA position 3620, G replaced by A.
Protein change: p.Arg1207Gln; replaces arginine 1207 with glutamine.
Molecular consequence: missense variant.
Genome position (GRCh38, 1-based): chr15:44,600,533, C>T on the plus strand (G>A on the coding strand, the complement: SPG11 is on the minus strand). VCF-style: chr15-44600533-C-T. GRCh37 (hg19) VCF-style: chr15-44892731-C-T.
Other names: p.Arg1207Gln; c.3620G>A, p.Arg1207Gln (NM_001160227.2); short protein forms R1207Q.
Identifiers: ClinVar variation 1376871 (VCV001376871.13), dbSNP rs768433207, ClinGen allele CA7534888.

ClinVar aggregate classification (germline): Uncertain significance. Review status: criteria provided, multiple submitters, no conflicts (2 of 4 stars). 6 submissions from 6 submitters: Uncertain significance (6). Last evaluated 2026-04-01.

Conditions:
Hereditary spastic paraplegia 11. Also called: Spastic Paraplegia 11; SPASTIC PARAPLEGIA, AUTOSOMAL RECESSIVE, COMPLICATED, WITH THIN CORPUS CALLOSUM; SPASTIC PARAPLEGIA, AUTOSOMAL RECESSIVE, WITH MENTAL IMPAIRMENT AND THIN CORPUS CALLOSUM; Nakamura Osame syndrome; Autosomal recessive hereditary spastic paraplegia, mental impairment, and thin corpus callosum; Spastic paraplegia, mental retardation and thin corpus callosum. Identifiers: Orphanet 2822, MedGen C1858479, MONDO:0011445, OMIM 604360.
Inborn genetic diseases. Identifiers: MedGen C0950123, MeSH D030342.

Allele frequency attached by ClinVar (database versions not stated): gnomAD 0.00001; gnomAD exomes 0.00001 and 0.00004; TOPMed 0.00001; ExAC 0.00004.
gnomAD v4.1: 18 of 1,613,940 alleles (0.0011%); highest among the groups gnomAD compares: Middle Eastern, 0.016%; no homozygotes.

Submissions (6):

CeGaT Center for Human Genetics Tuebingen
Classification: Uncertain significance. Last evaluated: 2026-04-01. Review status: criteria provided, single submitter. Criteria: CeGaT Center For Human Genetics Tuebingen Variant Classification Criteria Version 2. Collection method: clinical testing. Allele origin: germline. Affected: yes. Observed: 1 variant allele.
Comment: SPG11: PM2

Labcorp Genetics (formerly Invitae), Labcorp
Classification: Uncertain significance for Hereditary spastic paraplegia 11. Last evaluated: 2023-09-20. Review status: criteria provided, single submitter. Criteria: Invitae Variant Classification Sherloc (09022015). Collection method: clinical testing. Allele origin: germline.
Comment: In summary, the available evidence is currently insufficient to determine the role of this variant in disease. Therefore, it has been classified as a Variant of Uncertain Significance. Advanced modeling of protein sequence and biophysical properties (such as structural, functional, and spatial information, amino acid conservation, physicochemical variation, residue mobility, and thermodynamic stability) performed at Invitae indicates that this missense variant is expected to disrupt SPG11 protein function. ClinVar contains an entry for this variant (Variation ID: 1376871). This variant has not been reported in the literature in individuals affected with SPG11-related conditions. This variant is present in population databases (rs768433207, gnomAD 0.02%). This sequence change replaces arginine, which is basic and polar, with glutamine, which is neutral and polar, at codon 1207 of the SPG11 protein (p.Arg1207Gln).

Mayo Clinic Laboratories, Mayo Clinic
Classification: Uncertain significance. Last evaluated: 2023-03-17. Review status: criteria provided, single submitter. Criteria: ACMG Guidelines, 2015. Collection method: clinical testing. Allele origin: germline. Observed: 1 variant allele.
Comment: PP3

Ambry Genetics
Classification: Uncertain significance for Inborn genetic diseases. Last evaluated: 2020-03-06. Review status: criteria provided, single submitter. Criteria: Ambry Variant Classification Scheme 2023. Collection method: clinical testing. Allele origin: germline.
Comment: The p.R1207Q variant (also known as c.3620G>A), located in coding exon 21 of the SPG11 gene, results from a G to A substitution at nucleotide position 3620. The arginine at codon 1207 is replaced by glutamine, an amino acid with highly similar properties. This amino acid position is highly conserved in available vertebrate species. In addition, this alteration is predicted to be deleterious by in silico analysis. Since supporting evidence is limited at this time, the clinical significance of this alteration remains unclear.

Blueprint Genetics
Classification: Uncertain significance. Last evaluated: 2020-01-07. Review status: criteria provided, single submitter. Criteria: ACMG Guidelines, 2015. Collection method: clinical testing. Allele origin: germline.

Neuberg Centre For Genomic Medicine, NCGM
Classification: Uncertain significance for Hereditary spastic paraplegia 11. Review status: criteria provided, single submitter. Criteria: ACMG Guidelines, 2015. Collection method: clinical testing. Allele origin: germline. Inheritance: Autosomal recessive inheritance. Affected: yes.
Comment: The missense c.1558C>Tp.Leu520Phe variant in the SPG11 gene has not been reported previously as a pathogenic variant nor as a benign variant, to our knowledge. This variant is reported with an allele frequency of 0.02% in the gnomAD Exomes and novel in 1000 Genomes. This variant has been reported to the ClinVar database as Uncertain Significance multiple submitters. However, no details are available for independent assessment. The amino acid Leucine at position 520 is changed to a Phenylalanine changing protein sequence and it might alter its composition and physico-chemical properties. The variant is predicted as damaging by SIFT. The amino acid change p.Leu520Phe in SPG11 is predicted as conserved by GERP++ and PhyloP across 100 vertebrates. For these reasons, this variant has been classified as Uncertain Significance.